The following is an entry in ClinVar:

NM_005585.5(SMAD6):c.1124A>C (p.Gln375Pro)

Gene: SMAD6 (SMAD family member 6; plus strand). Cytogenetic location: 15q22.31.
Variant type: single nucleotide variant.
Coding change: c.1124A>C on transcript NM_005585.5 (MANE Select); coding-DNA position 1124, A replaced by C.
Protein change: p.Gln375Pro; replaces glutamine 375 with proline.
Molecular consequence: missense variant. On other transcripts: non-coding transcript variant (1).
Genome position (GRCh38, 1-based): chr15:66,781,168, A>C. VCF-style: chr15-66781168-A-C. GRCh37 (hg19) VCF-style: chr15-67073506-A-C.
Other names: short protein forms Q375P.
Identifiers: ClinVar variation 5029780 (VCV005029780.1).

ClinVar aggregate classification (germline): Uncertain significance (1 of 4 stars; one submission).

Conditions:
Inborn genetic diseases. Identifiers: MedGen C0950123, MeSH D030342.

Submission:

Ambry Genetics
Classification: Uncertain significance for Inborn genetic diseases. Last evaluated: 2026-08-22. Review status: criteria provided, single submitter. Criteria: Ambry Variant Classification Scheme 2023. Collection method: clinical testing. Allele origin: germline.
Comment: The p.Q375P variant (also known as c.1124A>C), located in coding exon 4 of the SMAD6 gene, results from an A to C substitution at nucleotide position 1124. The glutamine at codon 375 is replaced by proline, an amino acid with similar properties. This amino acid position is conserved. In addition, this alteration is predicted to be tolerated by in silico analysis. Based on the available evidence, the clinical significance of this variant remains unclear.